The following is an entry in ClinVar:

NM_000187.4(HGD):c.435-1G>C

Gene: HGD (homogentisate 1,2-dioxygenase; minus strand). Cytogenetic location: 3q13.33.
Variant type: single nucleotide variant.
Coding change: c.435-1G>C on transcript NM_000187.4 (MANE Select); the canonical splice acceptor site of the intron before coding-DNA position 435, G replaced by C.
Molecular consequence: splice acceptor variant.
Genome position (GRCh38, 1-based): chr3:120,647,912, C>G on the plus strand (G>C on the coding strand, the complement: HGD is on the minus strand). VCF-style: chr3-120647912-C-G. GRCh37 (hg19) VCF-style: chr3-120366759-C-G.
Identifiers: ClinVar variation 2850560 (VCV002850560.3), dbSNP rs2472705740, ClinGen allele CA354077491.

ClinVar aggregate classification (germline): Likely pathogenic (1 of 4 stars; one submission).

Conditions:
Alkaptonuria (AKU). Also called: Alkaptonuric ochronosis; Alcaptonuria; Homogentisic acidura; HOMOGENTISIC ACID OXIDASE DEFICIENCY. Identifiers: Orphanet 56, MedGen C0002066, MONDO:0008753, OMIM 203500.

Submission:

Labcorp Genetics (formerly Invitae), Labcorp
Classification: Likely pathogenic for Alkaptonuria. Last evaluated: 2023-03-29. Review status: criteria provided, single submitter. Criteria: Invitae Variant Classification Sherloc (09022015). Collection method: clinical testing. Allele origin: germline.
Comment: This sequence change affects an acceptor splice site in intron 6 of the HGD gene. It is expected to disrupt RNA splicing. Variants that disrupt the donor or acceptor splice site typically lead to a loss of protein function (PMID: 16199547), and loss-of-function variants in HGD are known to be pathogenic (PMID: 12501223, 19862842). This variant is not present in population databases (gnomAD no frequency). This variant has not been reported in the literature in individuals affected with HGD-related conditions. Algorithms developed to predict the effect of sequence changes on RNA splicing suggest that this variant may disrupt the consensus splice site. In summary, the currently available evidence indicates that the variant is pathogenic, but additional data are needed to prove that conclusively. Therefore, this variant has been classified as Likely Pathogenic.

Literature cited by the submitters: PubMed 16199547; PubMed 12501223; PubMed 19862842.